The following is an entry in ClinVar:

NM_000218.3(KCNQ1):c.1388G>T (p.Ser463Ile)

Gene: KCNQ1 (potassium voltage-gated channel subfamily Q member 1; plus strand). Cytogenetic location: 11p15.5.
Variant type: single nucleotide variant.
Coding change: c.1388G>T on transcript NM_000218.3 (MANE Select); coding-DNA position 1388, G replaced by T.
Protein change: p.Ser463Ile; replaces serine 463 with isoleucine.
Molecular consequence: missense variant.
Genome position (GRCh38, 1-based): chr11:2,588,849, G>T. VCF-style: chr11-2588849-G-T. GRCh37 (hg19) VCF-style: chr11-2610079-G-T.
Other names: c.1292G>T, p.Ser431Ile (NM_001406836.1); c.1118G>T, p.Ser373Ile (NM_001406837.1); c.848G>T, p.Ser283Ile (NM_001406838.1); c.1007G>T, p.Ser336Ile (NM_181798.2); short protein forms S283I, S336I, S373I, S431I, S463I.
Identifiers: ClinVar variation 4707155 (VCV004707155.1).

ClinVar aggregate classification (germline): Uncertain significance (1 of 4 stars; one submission).

Conditions:
Long QT syndrome (LQTS). Identifiers: MedGen C0023976, MeSH D008133, MONDO:0002442. Disease mechanism: loss of function. Inheritance: Various modes of inheritance.

Submission:

Labcorp Genetics (formerly Invitae), Labcorp
Classification: Uncertain significance for Long QT syndrome. Last evaluated: 2025-05-23. Review status: criteria provided, single submitter. Criteria: Invitae Variant Classification Sherloc (09022015). Collection method: clinical testing. Allele origin: germline.
Comment: This sequence change replaces serine, which is neutral and polar, with isoleucine, which is neutral and non-polar, at codon 463 of the KCNQ1 protein (p.Ser463Ile). This variant is not present in population databases (gnomAD no frequency). This variant has not been reported in the literature in individuals affected with KCNQ1-related conditions. Invitae Evidence Modeling of protein sequence and biophysical properties (such as structural, functional, and spatial information, amino acid conservation, physicochemical variation, residue mobility, and thermodynamic stability) has been performed for this missense variant. However, the output from this modeling did not meet the statistical confidence thresholds required to predict the impact of this variant on KCNQ1 protein function. In summary, the available evidence is currently insufficient to determine the role of this variant in disease. Therefore, it has been classified as a Variant of Uncertain Significance.